The following is an entry in ClinVar:

NM_183050.4(BCKDHB):c.988G>A (p.Glu330Lys)

Gene: BCKDHB (branched chain keto acid dehydrogenase E1 subunit beta; plus strand). Cytogenetic location: 6q14.1.
Variant type: single nucleotide variant.
Coding change: c.988G>A on transcript NM_183050.4 (MANE Select); coding-DNA position 988, G replaced by A.
Protein change: p.Glu330Lys; replaces glutamic acid 330 with lysine.
Molecular consequence: missense variant. On other transcripts: non-coding transcript variant (1).
Genome position (GRCh38, 1-based): chr6:80,273,171, G>A. VCF-style: chr6-80273171-G-A. GRCh37 (hg19) VCF-style: chr6-80982888-G-A.
Other names: c.988G>A, p.Glu330Lys (NM_000056.5); c.778G>A, p.Glu260Lys (NM_001318975.1); c.988G>A (NM_183050.3); short protein forms E330K, E260K.
Identifiers: ClinVar variation 557381 (VCV000557381.18), dbSNP rs1224101411, ClinGen allele CA365009112.

ClinVar aggregate classification (germline): Pathogenic/Likely pathogenic. Review status: criteria provided, multiple submitters, no conflicts (2 of 4 stars). 6 submissions from 6 submitters: Pathogenic (2); Likely pathogenic (3). 1 of the submissions does not count toward it. Last evaluated 2024-07-23.

Conditions:
Maple syrup urine disease type 1B (MSUD1B). Also called: MSUD type IB; MSUD type 3 (formerly); MSUD due to deficiency of e1-beta subunit of branched-chain alpha-keto acid dehydrogenase complex. Identifiers: MedGen C2930990, MONDO:0023692, OMIM 620698.
Maple syrup urine disease type 1A (MSUD1A). Also called: MSUD type 1A. Identifiers: MedGen C1855369, MONDO:0023691, OMIM 248600.
Maple syrup urine disease (MSUD). Identifiers: Orphanet 511, MedGen C0024776, MeSH D008375, MONDO:0009563. Disease mechanism: loss of function.

Allele frequency attached by ClinVar (database versions not stated): gnomAD exomes below 0.00001.
gnomAD v4.1: 3 of 1,613,416 alleles (0.00019%); highest among the groups gnomAD compares: South Asian, 0.0011%; no homozygotes.

Submissions (6):

Labcorp Genetics (formerly Invitae), Labcorp
Classification: Pathogenic for Maple syrup urine disease. Last evaluated: 2024-07-23. Review status: criteria provided, single submitter. Criteria: Invitae Variant Classification Sherloc (09022015). Collection method: clinical testing. Allele origin: germline.
Comment: This sequence change replaces glutamic acid, which is acidic and polar, with lysine, which is basic and polar, at codon 330 of the BCKDHB protein (p.Glu330Lys). This variant is present in population databases (no rsID available, gnomAD 0.003%). This missense change has been observed in individual(s) with maple syrup urine disease (PMID: 27507644; Invitae). In at least one individual the data is consistent with being in trans (on the opposite chromosome) from a pathogenic variant. It has also been observed to segregate with disease in related individuals. ClinVar contains an entry for this variant (Variation ID: 557381). Advanced modeling of protein sequence and biophysical properties (such as structural, functional, and spatial information, amino acid conservation, physicochemical variation, residue mobility, and thermodynamic stability) performed at Invitae indicates that this missense variant is expected to disrupt BCKDHB protein function with a positive predictive value of 80%. For these reasons, this variant has been classified as Pathogenic.

Fulgent Genetics
Classification: Likely pathogenic for Maple syrup urine disease type 1B. Last evaluated: 2024-05-25. Review status: criteria provided, single submitter. Criteria: ACMG Guidelines, 2015. Collection method: clinical testing. Allele origin: germline.

Baylor Genetics
Classification: Pathogenic for Maple syrup urine disease type 1A. Last evaluated: 2023-09-20. Review status: criteria provided, single submitter. Criteria: ACMG Guidelines, 2015. Collection method: clinical testing. Allele origin: unknown.

Genome-Nilou Lab
Classification: Likely pathogenic for Maple syrup urine disease type 1A. Last evaluated: 2021-11-07. Review status: criteria provided, single submitter. Criteria: ACMG Guidelines, 2015. Collection method: clinical testing. Allele origin: germline. Affected: no.

Kariminejad - Najmabadi Pathology & Genetics Center
Classification: Likely pathogenic for Maple syrup urine disease type 1B. Review status: criteria provided, single submitter. Criteria: ACMG Guidelines, 2015. Collection method: clinical testing. Allele origin: germline. Affected: no.

Counsyl
Classification: Likely pathogenic for Maple syrup urine disease type 1A. Last evaluated: 2018-03-22. Review status: no assertion criteria provided. Collection method: clinical testing. Allele origin: unknown. Not counted in ClinVar's aggregate classification.

Literature cited by the submitters: PubMed 27507644 (cited by Labcorp Genetics (formerly Invitae), Labcorp and Counsyl); PubMed 27682710 (cited by Counsyl).